The following is an entry in ClinVar:

ClinVar aggregate classification (germline): Pathogenic/Likely pathogenic. Review status: criteria provided, multiple submitters, no conflicts (2 of 4 stars). 6 submissions from 6 submitters: Pathogenic (2); Likely pathogenic (2). 2 of the submissions do not count toward it. Last evaluated 2024-08-04.

Conditions:
Mucopolysaccharidosis, MPS-III-B (MPS3B). Also called: SANFILIPPO SYNDROME B; MPS III B; MUCOPOLYSACCHARIDOSIS, TYPE IIIB; Mucopolysaccharidosis type IIIB (Sanfilippo B); MPS IIIB (Sanfilippo Syndrome Type B); N-ACETYL-ALPHA-D-GLUCOSAMINIDASE DEFICIENCY. Identifiers: Orphanet 79270, MedGen C0086648, MONDO:0009656, OMIM 252920.
Charcot-Marie-Tooth disease axonal type 2V. Also called: CHARCOT-MARIE-TOOTH NEUROPATHY, TYPE 2V; CHARCOT-MARIE-TOOTH DISEASE, AXONAL, AUTOSOMAL DOMINANT, TYPE 2V. Identifiers: Orphanet 447964, MedGen C5569050, MONDO:0014665, OMIM 616491.
Intellectual disability. Also called: intellectual disabilities; Intellectual functioning disability; Intellectual developmental disorder. Identifiers: MedGen C3714756, MeSH D008607, MONDO:0001071, HP:0001249.

Allele frequency attached by ClinVar (database versions not stated): ExAC below 0.00001.
gnomAD v4.1: 13 of 1,494,420 alleles (0.00087%); highest among the groups gnomAD compares: Non-Finnish European, 0.0012%; no homozygotes.

Submissions (6):

Natera, Inc.
Classification: Likely pathogenic for Mucopolysaccharidosis type IIIB. Last evaluated: 2024-08-04. Review status: criteria provided, single submitter. Criteria: Natera Variant Classification Schema (03/2026). Collection method: clinical testing. Allele origin: germline.
Comment: The c.343C>T variant in NAGLU is a missense variant predicted to cause substitution of proline to serine at amino acid 115. This variant is rare in the general population with a frequency below the threshold expected for the associated phenotype(s). This variant has been observed in one or more individuals affected with the associated recessive disease, as either homozygous or compound heterozygous with a second variant (PMID: 29661560, 26075876, 9443878). Functional studies show that this variant may disrupt protein function (PMID: 29979746). Computational prediction algorithms indicate this variant is likely to affect gene or protein function. Given the available evidence, this variant is classified as Likely Pathogenic.

Labcorp Genetics (formerly Invitae), Labcorp
Classification: Pathogenic for Charcot-Marie-Tooth disease axonal type 2V; Mucopolysaccharidosis, MPS-III-B. Last evaluated: 2024-05-01. Review status: criteria provided, single submitter. Criteria: Invitae Variant Classification Sherloc (09022015). Collection method: clinical testing. Allele origin: germline.
Comment: This sequence change replaces proline, which is neutral and non-polar, with serine, which is neutral and polar, at codon 115 of the NAGLU protein (p.Pro115Ser). The frequency data for this variant in the population databases is considered unreliable, as metrics indicate poor data quality at this position in the gnomAD database. This missense change has been observed in individual(s) with mucopolysaccharidosis type III (PMID: 9443878, 27590925). ClinVar contains an entry for this variant (Variation ID: 553505). Advanced modeling of protein sequence and biophysical properties (such as structural, functional, and spatial information, amino acid conservation, physicochemical variation, residue mobility, and thermodynamic stability) performed at Invitae indicates that this missense variant is expected to disrupt NAGLU protein function with a positive predictive value of 95%. For these reasons, this variant has been classified as Pathogenic.

GeneDx
Classification: Pathogenic. Last evaluated: 2024-04-15. Review status: criteria provided, single submitter. Criteria: GeneDx Variant Classification Process June 2021. Collection method: clinical testing. Allele origin: germline. Affected: yes.
Comment: Published functional studies found this variant is associated with significantly reduced enzyme activity (PMID: 29979746); Not observed at significant frequency in large population cohorts (gnomAD); In silico analysis supports that this missense variant has a deleterious effect on protein structure/function; This variant is associated with the following publications: (PMID: 24314109, 9443878, 27590925, 19516195, 29661560, 26075876, 9832037, 11668611, 29979746)

Fulgent Genetics
Classification: Likely pathogenic for Mucopolysaccharidosis, MPS-III-B; Charcot-Marie-Tooth disease axonal type 2V. Last evaluated: 2024-03-22. Review status: criteria provided, single submitter. Criteria: ACMG Guidelines, 2015. Collection method: clinical testing. Allele origin: germline.

Centre de Biologie Pathologie Génétique, Centre Hospitalier Universitaire de Lille
Classification: Likely benign for Intellectual disability. Last evaluated: 2019-01-01. Review status: no assertion criteria provided. Collection method: clinical testing. Allele origin: inherited. Affected: yes. Not counted in ClinVar's aggregate classification.

Counsyl
Classification: Likely pathogenic for Mucopolysaccharidosis, MPS-III-B. Last evaluated: 2017-12-14. Review status: no assertion criteria provided. Collection method: clinical testing. Allele origin: unknown. Not counted in ClinVar's aggregate classification.

Literature cited by the submitters: PubMed 29661560 (cited by Natera, Inc.); PubMed 26075876 (cited by Natera, Inc. and Counsyl); PubMed 9443878 (cited by 3 submitters); PubMed 29979746 (cited by Natera, Inc.); PubMed 27590925 (cited by Labcorp Genetics (formerly Invitae), Labcorp); PubMed 24314109 (cited by Counsyl).

NM_000263.4(NAGLU):c.343C>T (p.Pro115Ser)

Gene: NAGLU (N-acetyl-alpha-glucosaminidase; plus strand). Cytogenetic location: 17q21.2.
Variant type: single nucleotide variant.
Coding change: c.343C>T on transcript NM_000263.4 (MANE Select); coding-DNA position 343, C replaced by T.
Protein change: p.Pro115Ser; replaces proline 115 with serine.
Molecular consequence: missense variant.
Genome position (GRCh38, 1-based): chr17:42,536,615, C>T. VCF-style: chr17-42536615-C-T. GRCh37 (hg19) VCF-style: chr17-40688633-C-T.
Other names: short protein forms P115S.
Identifiers: ClinVar variation 553505 (VCV000553505.9), dbSNP rs758785463, ClinGen allele CA8576703.
Genomic context (GRCh38, chr17:42,536,615, plus strand): 5'-GACTTCTGTGGCTGCCACGTGGCCTGGTCCGGCTCTCAGCTGCGCCTGCCGCGGCCACTG[C>T]CAGCCGTGCCGGGGGAGCTGACCGAGGCCACGCCCAACAGGTACCGCCCCGAAGCTTCCC-3'
Protein context (NP_000254.2, residues 105-125): GSQLRLPRPL[Pro115Ser]AVPGELTEAT